The following is an entry in ClinVar:

ClinVar aggregate classification (germline): Uncertain significance (1 of 4 stars; one submission).

Submission:

Ambry Genetics
Classification: Uncertain significance. Last evaluated: 2025-04-05. Review status: criteria provided, single submitter. Criteria: Ambry Variant Classification Scheme 2023. Collection method: clinical testing. Allele origin: germline.
Comment: The p.F203S variant (also known as c.608T>C), located in coding exon 3 of the GFI1 gene, results from a T to C substitution at nucleotide position 608. The phenylalanine at codon 203 is replaced by serine, an amino acid with highly dissimilar properties. This amino acid position is conserved. In addition, this alteration is predicted to be tolerated by in silico analysis. Based on the available evidence, the clinical significance of this variant remains unclear.

NM_005263.5(GFI1):c.608T>C (p.Phe203Ser)

Gene: GFI1 (growth factor independent 1 transcriptional repressor; minus strand). Cytogenetic location: 1p22.1.
Variant type: single nucleotide variant.
Coding change: c.608T>C on transcript NM_005263.5 (MANE Select); coding-DNA position 608, T replaced by C.
Protein change: p.Phe203Ser; replaces phenylalanine 203 with serine.
Molecular consequence: missense variant.
Genome position (GRCh38, 1-based): chr1:92,480,779, A>G on the plus strand (T>C on the coding strand, the complement: GFI1 is on the minus strand). VCF-style: chr1-92480779-A-G. GRCh37 (hg19) VCF-style: chr1-92946336-A-G.
Other names: c.608T>C, p.Phe203Ser (NM_001127215.3, NM_001127216.3); short protein forms F203S.
Identifiers: ClinVar variation 4029383 (VCV004029383.1).